The following is an entry in ClinVar:

NM_000834.5(GRIN2B):c.4249G>T (p.Ala1417Ser)

Gene: GRIN2B (glutamate ionotropic receptor NMDA type subunit 2B; minus strand). Cytogenetic location: 12p13.1.
Variant type: single nucleotide variant.
Coding change: c.4249G>T on transcript NM_000834.5 (MANE Select); coding-DNA position 4249, G replaced by T.
Protein change: p.Ala1417Ser; replaces alanine 1417 with serine.
Molecular consequence: missense variant.
Genome position (GRCh38, 1-based): chr12:13,562,989, C>A on the plus strand (G>T on the coding strand, the complement: GRIN2B is on the minus strand). VCF-style: chr12-13562989-C-A. GRCh37 (hg19) VCF-style: chr12-13715923-C-A.
Other names: c.4249G>T, p.Ala1417Ser (NM_001413992.1); short protein forms A1417S.
Identifiers: ClinVar variation 2924478 (VCV002924478.3), dbSNP rs866929842, ClinGen allele CA383985831.

ClinVar aggregate classification (germline): Uncertain significance (1 of 4 stars; one submission).

Conditions:
Intellectual developmental disorder, autosomal dominant 6, with or without seizures. Also called: GRIN2B-related developmental delay, intellectual disability and autism spectrum disorder; Intellectual disability, autosomal dominant 6. Identifiers: Orphanet 589547, MedGen C3151411, MONDO:0013509, OMIM 613970.
Developmental and epileptic encephalopathy, 27 (DEE27). Also called: Epileptic encephalopathy, early infantile, 27; GRIN2B-Related Neurodevelopmental Disorder. Identifiers: Orphanet 3451, MedGen C4015316, MONDO:0014505, OMIM 616139.

gnomAD v4.1: 1 of 1,613,514 alleles (0.000062%); highest among the groups gnomAD compares: African/African-American, 0.0013%; no homozygotes.

Submission:

Labcorp Genetics (formerly Invitae), Labcorp
Classification: Uncertain significance for Developmental and epileptic encephalopathy, 27; Intellectual developmental disorder, autosomal dominant 6, with or without seizures. Last evaluated: 2023-06-08. Review status: criteria provided, single submitter. Criteria: Invitae Variant Classification Sherloc (09022015). Collection method: clinical testing. Allele origin: germline.
Comment: In summary, the available evidence is currently insufficient to determine the role of this variant in disease. Therefore, it has been classified as a Variant of Uncertain Significance. Advanced modeling of protein sequence and biophysical properties (such as structural, functional, and spatial information, amino acid conservation, physicochemical variation, residue mobility, and thermodynamic stability) performed at Invitae indicates that this missense variant is not expected to disrupt GRIN2B protein function. This variant has not been reported in the literature in individuals affected with GRIN2B-related conditions. This variant is not present in population databases (gnomAD no frequency). This sequence change replaces alanine, which is neutral and non-polar, with serine, which is neutral and polar, at codon 1417 of the GRIN2B protein (p.Ala1417Ser).